The following is an entry in ClinVar:

ClinVar aggregate classification (germline): Uncertain significance (1 of 4 stars; one submission).

Conditions:
Usher syndrome type 3B. Also called: USHER SYNDROME, TYPE IIIB. Identifiers: MedGen C3281066, MONDO:0013788, OMIM 614504.

Allele frequency attached by ClinVar (database versions not stated): gnomAD exomes below 0.00001; ExAC 0.00001; gnomAD 0.00001; TOPMed 0.00001.
gnomAD v4.1: 7 of 1,613,528 alleles (0.00043%); highest among the groups gnomAD compares: African/African-American, 0.0027%; no homozygotes.

Submission:

Labcorp Genetics (formerly Invitae), Labcorp
Classification: Uncertain significance for Usher syndrome type 3B. Last evaluated: 2024-06-26. Review status: criteria provided, single submitter. Criteria: Invitae Variant Classification Sherloc (09022015). Collection method: clinical testing. Allele origin: germline.
Comment: This sequence change replaces arginine, which is basic and polar, with cysteine, which is neutral and slightly polar, at codon 73 of the HARS protein (p.Arg73Cys). This variant is present in population databases (rs752549829, gnomAD 0.01%). This variant has not been reported in the literature in individuals affected with HARS-related conditions. ClinVar contains an entry for this variant (Variation ID: 2196534). Advanced modeling of protein sequence and biophysical properties (such as structural, functional, and spatial information, amino acid conservation, physicochemical variation, residue mobility, and thermodynamic stability) performed at Invitae indicates that this missense variant is expected to disrupt HARS protein function with a positive predictive value of 80%. In summary, the available evidence is currently insufficient to determine the role of this variant in disease. Therefore, it has been classified as a Variant of Uncertain Significance.

NM_002109.6(HARS1):c.217C>T (p.Arg73Cys)

Gene: HARS1 (histidyl-tRNA synthetase 1; minus strand). Cytogenetic location: 5q31.3.
Variant type: single nucleotide variant.
Coding change: c.217C>T on transcript NM_002109.6 (MANE Select); coding-DNA position 217, C replaced by T.
Protein change: p.Arg73Cys; replaces arginine 73 with cysteine.
Molecular consequence: missense variant. On other transcripts: intron variant (3).
Genome position (GRCh38, 1-based): chr5:140,683,183, G>A on the plus strand (C>T on the coding strand, the complement: HARS1 is on the minus strand). VCF-style: chr5-140683183-G-A. GRCh37 (hg19) VCF-style: chr5-140062768-G-A.
Other names: c.217C>T, p.Arg73Cys (NM_001258041.3, NM_001289092.2); c.130C>T, p.Arg44Cys (NM_001289094.2); c.181-5168C>T (NM_001289093.2); c.181-3300C>T (NM_001258042.3, NM_001258040.3); short protein forms R73C, R44C.
Identifiers: ClinVar variation 2196534 (VCV002196534.4), dbSNP rs752549829, ClinGen allele CA3444163.
Genomic context (GRCh38, chr5:140,683,183, plus strand): 5'-CAATGACTTCTGCACCGTGGCGCTTGAAGCAACGGATGATTACGTCAAACACCTTCTCGC[G>A]AACTGCCATCTGCCGGGGACTATAGTCTCTTGTGCCCTTGGAGTTGAAATCAGCCAGAGA-3'
Protein context (NP_002100.2, residues 63-83): RDYSPRQMAV[Arg73Cys]EKVFDVIIRC